The following is an entry in ClinVar:

ClinVar aggregate classification (germline): Pathogenic (1 of 4 stars; one submission).

Conditions:
Combined immunodeficiency due to LRBA deficiency. Also called: Common variable immunodeficiency 8, with autoimmunity. Identifiers: Orphanet 445018, MedGen C3553512, MONDO:0013863, OMIM 614700.

Submission:

Clinical Immunology, Karolinska University Hospital
Classification: Pathogenic for Combined immunodeficiency due to LRBA deficiency. Last evaluated: 2026-05-22. Review status: criteria provided, single submitter. Criteria: ACMG Guidelines, 2015. Collection method: clinical testing. Allele origin: germline. Inheritance: Autosomal recessive inheritance. Affected: yes.
Comment: Heterozygous compound with other splice variant. PVS1, PP3 (Splice AI: 1.0), PM2

NM_001364905.1(LRBA):c.217-1G>T

Gene: LRBA (LPS responsive beige-like anchor protein; minus strand). Cytogenetic location: 4q31.3.
Variant type: single nucleotide variant.
Coding change: c.217-1G>T on transcript NM_001364905.1 (MANE Select); the canonical splice acceptor site of the intron before coding-DNA position 217, G replaced by T.
Molecular consequence: splice acceptor variant.
Genome position (GRCh38, 1-based): chr4:150,929,066, C>A on the plus strand (G>T on the coding strand, the complement: LRBA is on the minus strand). VCF-style: chr4-150929066-C-A. GRCh37 (hg19) VCF-style: chr4-151850218-C-A.
Other names: c.217-1G>T (NM_001367550.1, NM_006726.5, NM_001199282.3 and 2 more transcripts).
Identifiers: ClinVar variation 4852395 (VCV004852395.1).
Genomic context (GRCh38, chr4:150,929,066, plus strand): 5'-AATACTCTCACCTTCTTGGATAATGAAATTCATTTCCAGATCAAACTGTCCTCCTACCAA[C>A]TTACAAGGAAAAAAAAAAAACACATTAAAAGCATTAGTATCCTCAATATCACTATAGCAT-3'